The following is an entry in ClinVar:

ClinVar aggregate classification (germline): Pathogenic. Review status: criteria provided, multiple submitters, no conflicts (2 of 4 stars). 2 submissions from 2 submitters: Pathogenic (2). Last evaluated 2023-07-07.

Conditions:
Cardiovascular phenotype. Identifiers: MedGen CN230736.
Alstrom syndrome (ALMS). Identifiers: Orphanet 64, MedGen C0268425, MONDO:0008763, OMIM 203800.

Submissions (2):

Ambry Genetics
Classification: Pathogenic for Cardiovascular phenotype. Last evaluated: 2023-07-07. Review status: criteria provided, single submitter. Criteria: Ambry Variant Classification Scheme 2023. Collection method: clinical testing. Allele origin: germline.
Comment: The c.152delC pathogenic mutation, located in coding exon 1 of the ALMS1 gene, results from a deletion of one nucleotide at nucleotide position 152, causing a translational frameshift with a predicted alternate stop codon (p.A51Gfs*19). This variant is considered to be rare based on population cohorts in the Genome Aggregation Database (gnomAD). This alteration is expected to result in loss of function by premature protein truncation or nonsense-mediated mRNA decay. As such, this alteration is interpreted as a disease-causing mutation.

Labcorp Genetics (formerly Invitae), Labcorp
Classification: Pathogenic for Alstrom syndrome. Last evaluated: 2020-02-08. Review status: criteria provided, single submitter. Criteria: Invitae Variant Classification Sherloc (09022015). Collection method: clinical testing. Allele origin: germline.
Comment: This sequence change creates a premature translational stop signal (p.Ala51Glyfs*19) in the ALMS1 gene. It is expected to result in an absent or disrupted protein product. This variant is not present in population databases (ExAC no frequency). For these reasons, this variant has been classified as Pathogenic. Loss-of-function variants in ALMS1 are known to be pathogenic (PMID: 17594715). This variant has not been reported in the literature in individuals with ALMS1-related conditions.

Literature cited by the submitters: PubMed 17594715 (cited by Labcorp Genetics (formerly Invitae), Labcorp).

NM_001378454.1(ALMS1):c.149del (p.Ala50fs)

Gene: ALMS1 (ALMS1 centrosome and basal body associated protein; plus strand). Cytogenetic location: 2p13.1.
Variant type: Deletion.
Coding change: c.149del on transcript NM_001378454.1 (MANE Select); coding-DNA position 149, one base deleted (C; older notation c.149delC).
Protein change: p.Ala50fs; shifts the reading frame from alanine 50.
Molecular consequence: frameshift variant.
Genome position (GRCh38, 1-based): chr2:73,386,017, C deleted. VCF-style (leftmost placement, unchanged base first): chr2-73386016-GC-G. GRCh37 (hg19) VCF-style: chr2-73613144-GC-G.
Other names: c.152delC (NM_015120.4); c.152del, p.Ala51fs (NM_015120.4); short protein forms A50fs, A51fs.
Identifiers: ClinVar variation 1070537 (VCV001070537.9), dbSNP rs2104058704, ClinGen allele CA2499216240.